The following is an entry in ClinVar:

NM_002519.3(NPAT):c.3461A>T (p.Glu1154Val)

Gene: NPAT (nuclear protein, coactivator of histone transcription; minus strand). Cytogenetic location: 11q22.3.
Variant type: single nucleotide variant.
Coding change: c.3461A>T on transcript NM_002519.3 (MANE Select); coding-DNA position 3461, A replaced by T.
Protein change: p.Glu1154Val; replaces glutamic acid 1154 with valine.
Molecular consequence: missense variant.
Genome position (GRCh38, 1-based): chr11:108,161,625, T>A on the plus strand (A>T on the coding strand, the complement: NPAT is on the minus strand). VCF-style: chr11-108161625-T-A. GRCh37 (hg19) VCF-style: chr11-108032352-T-A.
Other names: c.3482A>T, p.Glu1161Val (NM_001321307.1); short protein forms E1161V, E1154V.
Identifiers: ClinVar variation 1936376 (VCV001936376.5), dbSNP rs199835936, ClinGen allele CA6263576.

ClinVar aggregate classification (germline): Uncertain significance (1 of 4 stars; one submission).

Allele frequency attached by ClinVar (database versions not stated): gnomAD exomes 0.00001; ExAC 0.00003; gnomAD 0.00003; TOPMed 0.00003; 1000 Genomes Project 30x 0.00016; 1000 Genomes Project 0.00020.
gnomAD v4.1: 16 of 1,614,172 alleles (0.00099%); highest among the groups gnomAD compares: African/African-American, 0.0013%; no homozygotes.

Submission:

Labcorp Genetics (formerly Invitae), Labcorp
Classification: Uncertain significance. Last evaluated: 2024-04-25. Review status: criteria provided, single submitter. Criteria: Invitae Variant Classification Sherloc (09022015). Collection method: clinical testing. Allele origin: germline.
Comment: This sequence change replaces glutamic acid, which is acidic and polar, with valine, which is neutral and non-polar, at codon 1154 of the NPAT protein (p.Glu1154Val). This variant is present in population databases (rs199835936, gnomAD 0.004%). This variant has not been reported in the literature in individuals affected with NPAT-related conditions. ClinVar contains an entry for this variant (Variation ID: 1936376). An algorithm developed to predict the effect of missense changes on protein structure and function (PolyPhen-2) suggests that this variant is likely to be disruptive. In summary, the available evidence is currently insufficient to determine the role of this variant in disease. Therefore, it has been classified as a Variant of Uncertain Significance.